The following is an entry in ClinVar:

NM_000059.4(BRCA2):c.4223del (p.Gln1408fs)

Gene: BRCA2 (BRCA2 DNA repair associated; plus strand). Cytogenetic location: 13q13.1.
Variant type: Deletion.
Coding change: c.4223del on transcript NM_000059.4 (MANE Select); coding-DNA position 4223, one base deleted (A; older notation c.4223delA).
Protein change: p.Gln1408fs; shifts the reading frame from glutamine 1408.
Molecular consequence: frameshift variant.
Genome position (GRCh38, 1-based): chr13:32,338,578, A deleted. VCF-style (leftmost placement, unchanged base first): chr13-32338577-CA-C. GRCh37 (hg19) VCF-style: chr13-32912714-CA-C.
Other names: 4451delA; c.4223delA (NM_000059.3).
Identifiers: ClinVar variation 51615 (VCV000051615.12), dbSNP rs397507712, ClinGen allele CA019749.

ClinVar aggregate classification (germline): Pathogenic. Review status: reviewed by expert panel (3 of 4 stars). 5 submissions from 5 submitters: Pathogenic (1). 4 of the submissions do not count toward it. Last evaluated 2016-10-18.

Conditions:
Hereditary breast ovarian cancer syndrome. Also called: Hereditary breast and ovarian cancer syndrome; Hereditary breast and ovarian cancer; Hereditary breast and ovarian cancer syndrome (HBOC); Breast and ovarian cancer; Hereditary breast and/or ovarian cancer syndrome; BRCA1- and BRCA2-Associated Hereditary Breast and Ovarian Cancer. Identifiers: Orphanet 145, MedGen C0677776, MeSH D061325, MONDO:0003582. Disease mechanism: loss of function.
Hereditary cancer-predisposing syndrome. Also called: Neoplastic Syndromes, Hereditary; Tumor predisposition; Hereditary Cancer Syndrome; Hereditary neoplastic syndrome. Identifiers: Orphanet 140162, MedGen C0027672, MeSH D009386, MONDO:0015356.
Breast-ovarian cancer, familial, susceptibility to, 2 (BROVCA2). Also called: BRCA2 Hereditary Breast and Ovarian Cancer. Identifiers: Orphanet 145, MedGen C2675520, MONDO:0012933, OMIM 612555. Disease mechanism: loss of function.
Familial cancer of breast. Also called: BREAST CANCER, FAMILIAL; Hereditary breast cancer; hereditary breast carcinoma. Identifiers: Orphanet 227535, MedGen C0346153, MONDO:0016419, OMIM 114480. Disease mechanism: loss of function.

Submissions (5):

Evidence-based Network for the Interpretation of Germline Mutant Alleles (ENIGMA)
Classification: Pathogenic for Breast-ovarian cancer, familial, susceptibility to, 2. Last evaluated: 2016-10-18. Review status: reviewed by expert panel. Criteria: ENIGMA BRCA1/2 Classification Criteria (2015). Collection method: curation. Allele origin: germline.
Comment: Variant allele predicted to encode a truncated non-functional protein.

Labcorp Genetics (formerly Invitae), Labcorp
Classification: Pathogenic for Hereditary breast ovarian cancer syndrome. Last evaluated: 2025-02-26. Review status: criteria provided, single submitter. Criteria: Invitae Variant Classification Sherloc (09022015). Collection method: clinical testing. Allele origin: germline. Not counted in ClinVar's aggregate classification.
Comment: This sequence change creates a premature translational stop signal (p.Gln1408Argfs*2) in the BRCA2 gene. It is expected to result in an absent or disrupted protein product. Loss-of-function variants in BRCA2 are known to be pathogenic (PMID: 20104584). This variant is not present in population databases (gnomAD no frequency). This premature translational stop signal has been observed in individual(s) with BRCA2-related conditions (PMID: 17997147). ClinVar contains an entry for this variant (Variation ID: 51615). For these reasons, this variant has been classified as Pathogenic.

Ambry Genetics
Classification: Pathogenic for Hereditary cancer-predisposing syndrome. Last evaluated: 2024-12-10. Review status: criteria provided, single submitter. Criteria: Ambry Variant Classification Scheme 2023. Collection method: clinical testing. Allele origin: germline. Not counted in ClinVar's aggregate classification.
Comment: The c.4223delA pathogenic mutation, located in coding exon 10 of the BRCA2 gene, results from a deletion of one nucleotide at nucleotide position 4223, causing a translational frameshift with a predicted alternate stop codon (p.Q1408Rfs*2). This alteration has been reported in 1 of 151 consecutive primary ovarian cancer patients in the Polish population who were screened for BRCA1/2 germline mutations (Brozek I et al. Gynecol. Oncol., 2008 Feb;108:433-7). It was also reported as a pathogenic mutation in a large cohort of families with BRCA1/2 mutations (Rebbeck TR et al. Hum. Mutat., 2018 May;39:593-620). In addition to the clinical data presented in the literature, this alteration is expected to result in loss of function by premature protein truncation or nonsense-mediated mRNA decay. As such, this alteration is interpreted as a disease-causing mutation.

Baylor Genetics
Classification: Pathogenic for Familial cancer of breast. Last evaluated: 2020-12-11. Review status: criteria provided, single submitter. Criteria: ACMG Guidelines, 2015. Collection method: clinical testing. Allele origin: unknown. Not counted in ClinVar's aggregate classification.

Consortium of Investigators of Modifiers of BRCA1/2 (CIMBA), c/o University of Cambridge
Classification: Pathogenic for Breast-ovarian cancer, familial, susceptibility to, 2. Last evaluated: 2015-10-02. Review status: criteria provided, single submitter. Criteria: CIMBA Mutation Classification guidelines May 2016. Collection method: clinical testing. Allele origin: germline. Not counted in ClinVar's aggregate classification.

Literature cited by the submitters: PubMed 20104584 (cited by Labcorp Genetics (formerly Invitae), Labcorp); PubMed 17997147 (cited by Labcorp Genetics (formerly Invitae), Labcorp and Ambry Genetics); PubMed 26843898 (cited by Ambry Genetics); PubMed 29446198 (cited by Ambry Genetics).